The following is an entry in ClinVar:

NM_207037.2(TCF12):c.1115-1G>A

Gene: TCF12 (transcription factor 12; plus strand). Cytogenetic location: 15q21.3.
Variant type: single nucleotide variant.
Coding change: c.1115-1G>A on transcript NM_207037.2 (MANE Select); the canonical splice acceptor site of the intron before coding-DNA position 1115, G replaced by A.
Molecular consequence: splice acceptor variant.
Genome position (GRCh38, 1-based): chr15:57,251,349, G>A. VCF-style: chr15-57251349-G-A. GRCh37 (hg19) VCF-style: chr15-57543547-G-A.
Other names: c.1115-1G>A (NM_001322151.2, NM_001322159.3, NM_001322157.3 and 7 more transcripts); c.941-1G>A (NM_001322156.2, NM_001322158.2); c.458-1G>A (NM_001322154.2); c.1151-1G>A (NM_001322164.2); c.605-1G>A (NM_001306219.3, NM_207040.2); c.407-1G>A (NM_001306220.3).
Identifiers: ClinVar variation 3677130 (VCV003677130.3).

ClinVar aggregate classification (germline): Likely pathogenic (1 of 4 stars; one submission).

Submissions (2):

Labcorp Genetics (formerly Invitae), Labcorp
Classification: Likely pathogenic. Last evaluated: 2024-09-10. Review status: criteria provided, single submitter. Criteria: Invitae Variant Classification Sherloc (09022015). Collection method: clinical testing. Allele origin: germline.
Comment: This sequence change affects an acceptor splice site in intron 13 of the TCF12 gene. It is expected to disrupt RNA splicing. Variants that disrupt the donor or acceptor splice site typically lead to a loss of protein function (PMID: 16199547), and loss-of-function variants in TCF12 are known to be pathogenic (PMID: 23354436, 32620954). This variant is not present in population databases (gnomAD no frequency). Disruption of this splice site has been observed in individual(s) with craniosynostosis (PMID: 33937142). Algorithms developed to predict the effect of sequence changes on RNA splicing suggest that this variant may disrupt the consensus splice site. In summary, the currently available evidence indicates that the variant is pathogenic, but additional data are needed to prove that conclusively. Therefore, this variant has been classified as Likely Pathogenic.

Dr. Peter K. Rogan Lab, Western University
No classification provided (evidence only). Condition: Glioma susceptibility 1. Review status: no classification provided. Collection method: in vitro. Allele origin: not applicable. Functional consequence: skipped exon, retained intron. Not counted in ClinVar's aggregate classification.

Literature cited by the submitters: PubMed 16199547 (cited by Labcorp Genetics (formerly Invitae), Labcorp); PubMed 23354436 (cited by Labcorp Genetics (formerly Invitae), Labcorp); PubMed 32620954 (cited by Labcorp Genetics (formerly Invitae), Labcorp); PubMed 33937142 (cited by Labcorp Genetics (formerly Invitae), Labcorp).